The following is an entry in ClinVar:

NM_001111125.3(IQSEC2):c.4067A>G (p.His1356Arg)

Gene: IQSEC2 (IQ motif and Sec7 domain ArfGEF 2; minus strand). Cytogenetic location: Xp11.22.
Variant type: single nucleotide variant.
Coding change: c.4067A>G on transcript NM_001111125.3 (MANE Select); coding-DNA position 4067, A replaced by G.
Protein change: p.His1356Arg; replaces histidine 1356 with arginine.
Molecular consequence: missense variant. On other transcripts: 3 prime UTR variant (2).
Genome position (GRCh38, 1-based): chrX:53,234,619, T>C on the plus strand (A>G on the coding strand, the complement: IQSEC2 is on the minus strand). VCF-style: chrX-53234619-T-C. GRCh37 (hg19) VCF-style: chrX-53263801-T-C.
Other names: c.*552A>G (NM_001410736.1, NM_015075.2); short protein forms H1356R.
Identifiers: ClinVar variation 3901360 (VCV003901360.1).

ClinVar aggregate classification (germline): Uncertain significance (1 of 4 stars; one submission).

Submission:

GeneDx
Classification: Uncertain significance. Last evaluated: 2024-12-03. Review status: criteria provided, single submitter. Criteria: GeneDx Variant Classification Process June 2021. Collection method: clinical testing. Allele origin: germline. Affected: yes.
Comment: Not observed at significant frequency in large population cohorts (gnomAD); In silico analysis indicates that this missense variant does not alter protein structure/function; Has not been previously published as pathogenic or benign to our knowledge